The following is an entry in ClinVar:

ClinVar aggregate classification (germline): Uncertain significance (1 of 4 stars; one submission).

Conditions:
Hereditary cancer-predisposing syndrome. Also called: Hereditary neoplastic syndrome; Hereditary Cancer Syndrome; Neoplastic Syndromes, Hereditary; Tumor predisposition. Identifiers: Orphanet 140162, MedGen C0027672, MeSH D009386, MONDO:0015356.

Submission:

Ambry Genetics
Classification: Uncertain significance for Hereditary cancer-predisposing syndrome. Last evaluated: 2023-05-02. Review status: criteria provided, single submitter. Criteria: Ambry Variant Classification Scheme 2023. Collection method: clinical testing. Allele origin: germline.
Comment: The p.A2460D variant (also known as c.7379C>A), located in coding exon 15 of the APC gene, results from a C to A substitution at nucleotide position 7379. The alanine at codon 2460 is replaced by aspartic acid, an amino acid with dissimilar properties. This amino acid position is conserved. In addition, in silico predictors for this gene do not accurately predict pathogenicity. Since supporting evidence is limited at this time, the clinical significance of this alteration remains unclear.

NM_000038.6(APC):c.7379C>A (p.Ala2460Asp)

Gene: APC (APC regulator of Wnt signaling pathway; plus strand). Cytogenetic location: 5q22.2.
Variant type: single nucleotide variant.
Coding change: c.7379C>A on transcript NM_000038.6 (MANE Select); coding-DNA position 7379, C replaced by A.
Protein change: p.Ala2460Asp; replaces alanine 2460 with aspartic acid.
Molecular consequence: missense variant. On other transcripts: non-coding transcript variant (2).
Genome position (GRCh38, 1-based): chr5:112,842,973, C>A. VCF-style: chr5-112842973-C-A. GRCh37 (hg19) VCF-style: chr5-112178670-C-A.
Other names: c.7379C>A, p.Ala2460Asp (NM_001127510.3, NM_001354895.2, NM_001407450.1); c.7325C>A, p.Ala2442Asp (NM_001127511.3); c.7433C>A, p.Ala2478Asp (NM_001354896.2, NM_001407447.1, NM_001407448.1 and 1 more transcripts); c.7409C>A, p.Ala2470Asp (NM_001354897.2); c.7304C>A, p.Ala2435Asp (NM_001354898.2); c.7295C>A, p.Ala2432Asp (NM_001354899.2); c.7256C>A, p.Ala2419Asp (NM_001354900.2); c.7202C>A, p.Ala2401Asp (NM_001354901.2, NM_001407453.1); and 11 more; short protein forms A2300D, A2369D, A2377D, A2450D, A2460D, A2470D, A2488D, A2331D.
Identifiers: ClinVar variation 2567014 (VCV002567014.2), dbSNP rs768590443, ClinGen allele CA16037405.
Genomic context (GRCh38, chr5:112,842,973, plus strand): 5'-AGTCAACTTTCATCAAAGAAGCTCCAAGCCCAACCTTAAGAAGAAAATTGGAGGAATCTG[C>A]TTCATTTGAATCTCTTTCTCCATCATCTAGACCAGCTTCTCCCACTAGGTCCCAGGCACA-3'
Protein context (NP_000029.2, residues 2450-2470): PTLRRKLEES[Ala2460Asp]SFESLSPSSR